The following is an entry in ClinVar:

ClinVar aggregate classification (germline): Likely benign. Review status: criteria provided, single submitter (1 of 4 stars). 2 submissions from 2 submitters: Likely benign (1). 1 of the submissions does not count toward it. Last evaluated 2026-01-05.

Conditions:
SCN3A-related disorder. Also called: SCN3A-related condition.

Allele frequency attached by ClinVar (database versions not stated): gnomAD exomes below 0.00001 and 0.00002; ExAC 0.00002; gnomAD 0.00004; TOPMed 0.00007; ESP Exome Variant Server 0.00008.
gnomAD v4.1: 8 of 1,613,948 alleles (0.0005%); highest among the groups gnomAD compares: African/African-American, 0.011%; no homozygotes.

Submissions (2):

Labcorp Genetics (formerly Invitae), Labcorp
Classification: Likely benign. Last evaluated: 2026-01-05. Review status: criteria provided, single submitter. Criteria: Invitae Variant Classification Sherloc (09022015). Collection method: clinical testing. Allele origin: germline.

PreventionGenetics, part of Exact Sciences
Classification: Likely benign for SCN3A-related condition. Last evaluated: 2021-08-04. Review status: no assertion criteria provided. Collection method: clinical testing. Allele origin: germline. Not counted in ClinVar's aggregate classification.
Comment: This variant is classified as likely benign based on ACMG/AMP sequence variant interpretation guidelines (Richards et al. 2015 PMID: 25741868, with internal and published modifications).

NM_006922.4(SCN3A):c.1734C>T (p.Phe578=)

Gene: SCN3A (sodium voltage-gated channel alpha subunit 3; minus strand). Cytogenetic location: 2q24.3.
Variant type: single nucleotide variant.
Coding change: c.1734C>T on transcript NM_006922.4 (MANE Select); coding-DNA position 1734, C replaced by T.
Protein change: p.Phe578=; no amino-acid change (phenylalanine 578 retained).
Molecular consequence: synonymous variant.
Genome position (GRCh38, 1-based): chr2:165,140,936, G>A on the plus strand (C>T on the coding strand, the complement: SCN3A is on the minus strand). VCF-style: chr2-165140936-G-A. GRCh37 (hg19) VCF-style: chr2-165997446-G-A.
Other names: c.1734C>T, p.Phe578= (NM_001081676.2, NM_001081677.2); c.1734C>T (NM_006922.3).
Identifiers: ClinVar variation 1087702 (VCV001087702.11), dbSNP rs369010746, ClinGen allele CA1939089.